The following is an entry in ClinVar:

NM_001271.4(CHD2):c.4643T>C (p.Leu1548Pro)

Gene: CHD2 (chromodomain helicase DNA binding protein 2; plus strand). Cytogenetic location: 15q26.1.
Variant type: single nucleotide variant.
Coding change: c.4643T>C on transcript NM_001271.4 (MANE Select); coding-DNA position 4643, T replaced by C.
Protein change: p.Leu1548Pro; replaces leucine 1548 with proline.
Molecular consequence: missense variant.
Genome position (GRCh38, 1-based): chr15:93,012,395, T>C. VCF-style: chr15-93012395-T-C. GRCh37 (hg19) VCF-style: chr15-93555625-T-C.
Other names: short protein forms L1548P.
Identifiers: ClinVar variation 4814071 (VCV004814071.1).
Genomic context (GRCh38, chr15:93,012,395, plus strand): 5'-TTCTTTTTAGGAACCTATGGATTTTTGTTTCCAAGTTTACAGAATTTGATGCTCGAAAAC[T>C]GCATAAGTTATACAAGATGGCTCATAAGAAAAGGTCTCAAGAAGAAGAGGTAAAGTACAA-3'
Protein context (NP_001262.3, residues 1538-1558): SKFTEFDARK[Leu1548Pro]HKLYKMAHKK

ClinVar aggregate classification (germline): Uncertain significance (1 of 4 stars; one submission).

Conditions:
Developmental and epileptic encephalopathy 94 (DEE94). Also called: CHD2-Related Neurodevelopmental Disorders; Epileptic encephalopathy, childhood-onset. Identifiers: Orphanet 1942, Orphanet 2382, MedGen C3809278, MONDO:0014150, OMIM 615369.

Submission:

OLLIN Analises Genomicas, OLLIN
Classification: Uncertain significance for Developmental and epileptic encephalopathy 94. Last evaluated: 2026-02-13. Review status: criteria provided, single submitter. Criteria: ACMG Guidelines 2015 PMID 25741868. Collection method: clinical testing. Allele origin: germline. Observed: 1 variant allele.
Comment: PM2_P, PP2, PP3_M